The following is an entry in ClinVar:

ClinVar aggregate classification (germline): Uncertain significance. Review status: criteria provided, multiple submitters, no conflicts (2 of 4 stars). 3 submissions from 3 submitters: Uncertain significance (3). Last evaluated 2025-03-25.

Conditions:
Hypertrophic cardiomyopathy. Also called: HYPERTROPHIC MYOCARDIOPATHY. Identifiers: Orphanet 217569, MedGen C0007194, MeSH D002312, MONDO:0005045, HP:0001639.
Cardiovascular phenotype. Identifiers: MedGen CN230736.

Submissions (3):

Ambry Genetics
Classification: Uncertain significance for Cardiovascular phenotype. Last evaluated: 2025-03-25. Review status: criteria provided, single submitter. Criteria: Ambry Variant Classification Scheme 2023. Collection method: clinical testing. Allele origin: germline.

All of Us Research Program, National Institutes of Health
Classification: Uncertain significance for Hypertrophic cardiomyopathy. Last evaluated: 2023-08-15. Review status: criteria provided, single submitter. Criteria: ACMG Guidelines, 2015. Collection method: clinical testing. Allele origin: germline. Inheritance: Autosomal dominant inheritance. Observed: 1 variant allele, 1 heterozygote.
Comment: This missense variant replaces phenylalanine with serine at codon 37 of the MYL3 protein. Computational prediction is inconclusive regarding the impact of this variant on protein structure and function (internally defined REVEL score threshold 0.5 < inconclusive < 0.7, PMID: 27666373). To our knowledge, functional studies have not been reported for this variant. This variant has not been reported in individuals affected with MYL3-related disorders in the literature. This variant has not been identified in the general population by the Genome Aggregation Database (gnomAD). The available evidence is insufficient to determine the role of this variant in disease conclusively. Therefore, this variant is classified as a Variant of Uncertain Significance.

This study involves interpretation of variants in research participants for the purpose of population health screening. Participant phenotype was not available at the time of variant classification. Additional details can be found in publication PMID: 35346344, PMCID: PMC8962531

Labcorp Genetics (formerly Invitae), Labcorp
Classification: Uncertain significance for Hypertrophic cardiomyopathy. Last evaluated: 2021-02-15. Review status: criteria provided, single submitter. Criteria: Invitae Variant Classification Sherloc (09022015). Collection method: clinical testing. Allele origin: germline.
Comment: Algorithms developed to predict the effect of missense changes on protein structure and function are either unavailable or do not agree on the potential impact of this missense change (SIFT: "Tolerated"; PolyPhen-2: "Probably Damaging"; Align-GVGD: "Class C0"). In summary, the available evidence is currently insufficient to determine the role of this variant in disease. Therefore, it has been classified as a Variant of Uncertain Significance. This variant has not been reported in the literature in individuals with MYL3-related conditions. This sequence change replaces phenylalanine with serine at codon 37 of the MYL3 protein (p.Phe37Ser). The phenylalanine residue is moderately conserved and there is a large physicochemical difference between phenylalanine and serine. This variant is not present in population databases (ExAC no frequency).

NM_000258.3(MYL3):c.110T>C (p.Phe37Ser)

Gene: MYL3 (myosin light chain 3; minus strand). Cytogenetic location: 3p21.31.
Variant type: single nucleotide variant.
Coding change: c.110T>C on transcript NM_000258.3 (MANE Select); coding-DNA position 110, T replaced by C.
Protein change: p.Phe37Ser; replaces phenylalanine 37 with serine.
Molecular consequence: missense variant.
Genome position (GRCh38, 1-based): chr3:46,863,281, A>G on the plus strand (T>C on the coding strand, the complement: MYL3 is on the minus strand). VCF-style: chr3-46863281-A-G. GRCh37 (hg19) VCF-style: chr3-46904771-A-G.
Other names: c.110T>C (NM_000258.2); short protein forms F37S.
Identifiers: ClinVar variation 1466609 (VCV001466609.10), dbSNP rs2106914314, ClinGen allele CA352499523.